The following is an entry in ClinVar:

ClinVar aggregate classification (germline): Likely benign. Review status: criteria provided, multiple submitters, no conflicts (2 of 4 stars). 2 submissions from 2 submitters: Likely benign (2). Last evaluated 2018-06-16.

Allele frequency attached by ClinVar (database versions not stated): gnomAD 0.00455 and 0.00480; TOPMed 0.00476; 1000 Genomes Project 0.00499; 1000 Genomes Project 30x 0.00562.

Submissions (2):

GeneDx
Classification: Likely benign. Last evaluated: 2018-06-16. Review status: criteria provided, single submitter. Criteria: GeneDx Variant Classification (06012015). Collection method: clinical testing. Allele origin: germline. Affected: yes.
Comment: This variant is considered likely benign or benign based on one or more of the following criteria: it is a conservative change, it occurs at a poorly conserved position in the protein, it is predicted to be benign by multiple in silico algorithms, and/or has population frequency not consistent with disease.

Breakthrough Genomics
Classification: Likely benign. Review status: criteria provided, single submitter. Criteria: ACMG Guidelines, 2015. Collection method: not provided. Allele origin: germline. Inheritance: Autosomal dominant inheritance. Affected: yes.

NM_001330260.2(SCN8A):c.3372+62C>G

Gene: SCN8A (sodium voltage-gated channel alpha subunit 8; plus strand). Cytogenetic location: 12q13.13.
Variant type: single nucleotide variant.
Coding change: c.3372+62C>G on transcript NM_001330260.2 (MANE Select); 62 bases into the intron after coding-DNA position 3372, C replaced by G.
Molecular consequence: intron variant.
Genome position (GRCh38, 1-based): chr12:51,769,397, C>G. VCF-style: chr12-51769397-C-G. GRCh37 (hg19) VCF-style: chr12-52163181-C-G.
Other names: c.3372+62C>G (NM_014191.4, NM_001177984.3, NM_001369788.1).
Identifiers: ClinVar variation 674453 (VCV000674453.2), dbSNP rs76304221, ClinGen allele CA236318782.